The following is an entry in ClinVar:

NM_000059.4(BRCA2):c.-40+360G>A

Genes: BRCA2 (BRCA2 DNA repair associated; plus strand), LOC130009523 (ATAC-STARR-seq lymphoblastoid active region 7554; plus strand). Cytogenetic location: 13q13.1.
Variant type: single nucleotide variant.
Coding change: c.-40+360G>A on transcript NM_000059.4 (MANE Select); 360 bases into the intron after 40 bases upstream of the start codon, G replaced by A.
Molecular consequence: intron variant.
Genome position (GRCh38, 1-based): chr13:32,316,027, G>A. VCF-style: chr13-32316027-G-A. GRCh37 (hg19) VCF-style: chr13-32890164-G-A.
Other names: IVS 1+360G>A.
Identifiers: ClinVar variation 209602 (VCV000209602.1), dbSNP rs115797182, ClinGen allele CA276571.

ClinVar aggregate classification (germline): Benign (3 of 4 stars; one submission).

Conditions:
Breast-ovarian cancer, familial, susceptibility to, 2 (BROVCA2). Also called: BRCA2 Hereditary Breast and Ovarian Cancer. Identifiers: Orphanet 145, MedGen C2675520, MONDO:0012933, OMIM 612555. Disease mechanism: loss of function.

Allele frequency attached by ClinVar (database versions not stated): gnomAD 0.00652 and 0.00695; TOPMed 0.00708; 1000 Genomes Project 0.00719; 1000 Genomes Project 30x 0.00734.
gnomAD v4.1: 978 of 152,314 alleles (0.64%); highest among the groups gnomAD compares: African/African-American, 2.3%; 8 homozygotes.

Submission:

Evidence-based Network for the Interpretation of Germline Mutant Alleles (ENIGMA)
Classification: Benign for Breast-ovarian cancer, familial 2. Last evaluated: 2015-01-12. Review status: reviewed by expert panel. Criteria: ENIGMA BRCA1/2 Classification Criteria (2015). Collection method: curation. Allele origin: germline.
Comment: Class 1 not pathogenic based on frequency >1% in an outbred sampleset. Frequency 0.02642 (African), derived from 1000 genomes (2012-04-30).